The following is an entry in ClinVar:

NM_025114.4(CEP290):c.2191C>T (p.Gln731Ter)

Gene: CEP290 (centrosomal protein 290; minus strand). Cytogenetic location: 12q21.32.
Variant type: single nucleotide variant.
Coding change: c.2191C>T on transcript NM_025114.4 (MANE Select); coding-DNA position 2191, C replaced by T.
Protein change: p.Gln731Ter; replaces glutamine 731 with a stop codon.
Molecular consequence: nonsense.
Genome position (GRCh38, 1-based): chr12:88,111,720, G>A on the plus strand (C>T on the coding strand, the complement: CEP290 is on the minus strand). VCF-style: chr12-88111720-G-A. GRCh37 (hg19) VCF-style: chr12-88505497-G-A.
Other names: c.2191C>T (NM_025114.3); short protein forms Q731*.
Identifiers: ClinVar variation 1929437 (VCV001929437.7), dbSNP rs767250881, ClinGen allele CA385974872.

ClinVar aggregate classification (germline): Pathogenic. Review status: criteria provided, multiple submitters, no conflicts (2 of 4 stars). 3 submissions from 3 submitters: Pathogenic (3). Last evaluated 2025-12-23.

Conditions:
Meckel-Gruber syndrome. Also called: DYSENCEPHALIA SPLANCHNOCYSTICA; GRUBER SYNDROME; Dysencephalia splachnocystica. Identifiers: Orphanet 564, MedGen C0265215, MONDO:0018921.
Nephronophthisis. Also called: Juvenile Nephronophthisis. Identifiers: Orphanet 655, MedGen C0687120, MONDO:0019005, HP:0000090.
Joubert syndrome. Also called: JOUBERT-BOLTSHAUSER SYNDROME; Familial aplasia of the vermis. Identifiers: Orphanet 475, MedGen C5979921, MONDO:0018772.
CEP290-related ciliopathy. Also called: CEP290 ciliopathy. Identifiers: MedGen CN305601, MONDO:0100451.
Leber congenital amaurosis (LCA). Also called: Leber's amaurosis. Identifiers: Orphanet 65, MedGen C0339527, MeSH D057130, MONDO:0018998.

gnomAD v4.1: 2 of 1,594,874 alleles (0.00013%); highest among the groups gnomAD compares: African/African-American, 0.0014%; no homozygotes.

Submissions (3):

Natera, Inc.
Classification: Pathogenic for Leber congenital amaurosis. Last evaluated: 2025-12-23. Review status: criteria provided, single submitter. Criteria: Natera Variant Classification Schema (03/2026). Collection method: clinical testing. Allele origin: germline.
Comment: The c.2191C>T variant in CEP290 is a nonsense variant predicted to introduce a stop codon at amino acid 731. This variant is expected to result in nonsense mediated decay, truncation, or a dysfunctional protein product. This variant is rare in the general population with a frequency below the threshold expected for the associated phenotype(s). This variant has been observed in one or more individuals affected with the associated recessive disease, as either homozygous or compound heterozygous with a second variant (PMID: 31630094). Given the available evidence, this variant is classified as Pathogenic.

Labcorp Genetics (formerly Invitae), Labcorp
Classification: Pathogenic for Joubert syndrome; Meckel-Gruber syndrome; Nephronophthisis. Last evaluated: 2024-12-16. Review status: criteria provided, single submitter. Criteria: Invitae Variant Classification Sherloc (09022015). Collection method: clinical testing. Allele origin: germline.
Comment: This sequence change creates a premature translational stop signal (p.Gln731*) in the CEP290 gene. It is expected to result in an absent or disrupted protein product. Loss-of-function variants in CEP290 are known to be pathogenic (PMID: 16909394, 17345604, 20690115). This variant is not present in population databases (gnomAD no frequency). This premature translational stop signal has been observed in individual(s) with Leber congenital amaurosis (PMID: 31630094). ClinVar contains an entry for this variant (Variation ID: 1929437). For these reasons, this variant has been classified as Pathogenic.

Myriad Genetics, Inc.
Classification: Pathogenic for CEP290-related ciliopathy. Last evaluated: 2024-05-28. Review status: criteria provided, single submitter. Criteria: Myriad Autosomal Dominant, Autosomal Recessive and X-Linked Classification Criteria (2023). Collection method: clinical testing. Allele origin: unknown.
Comment: NM_025114.3(CEP290):c.2191C>T(Q731*) is expected to be pathogenic in the context of CEP290-related disorders. This variant is predicted to lead to an abnormal or absent protein product due to the creation of a premature termination codon in CEP290, a gene where loss-of-function variants are known to be pathogenic. Please note: this variant was assessed in the context of healthy population screening.

Literature cited by the submitters: PubMed 31630094 (cited by Natera, Inc. and Labcorp Genetics (formerly Invitae), Labcorp); PubMed 16909394 (cited by Labcorp Genetics (formerly Invitae), Labcorp); PubMed 17345604 (cited by Labcorp Genetics (formerly Invitae), Labcorp); PubMed 20690115 (cited by Labcorp Genetics (formerly Invitae), Labcorp).